The following is an entry in ClinVar:

ClinVar aggregate classification (germline): Benign/Likely benign. Review status: criteria provided, multiple submitters, no conflicts (2 of 4 stars). 2 submissions from 2 submitters: Benign (1); Likely benign (1). Last evaluated 2025-01-31.

Conditions:
Hereditary cancer-predisposing syndrome. Also called: Neoplastic Syndromes, Hereditary; Tumor predisposition; Hereditary Cancer Syndrome; Hereditary neoplastic syndrome. Identifiers: Orphanet 140162, MedGen C0027672, MeSH D009386, MONDO:0015356.
Lynch syndrome 4 (LYNCH4). Also called: Colorectal cancer, hereditary nonpolyposis, type 4; Hereditary non-polyposis colorectal cancer, type 4. Identifiers: Orphanet 144, MedGen C1838333, MONDO:0013699, OMIM 614337. Disease mechanism: loss of function.

Allele frequency attached by ClinVar (database versions not stated): gnomAD exomes below 0.00001.

Submissions (2):

Myriad Genetics, Inc.
Classification: Benign for Lynch syndrome 4. Last evaluated: 2025-01-31. Review status: criteria provided, single submitter. Criteria: Myriad Autosomal Dominant, Autosomal Recessive and X-Linked Classification Criteria (2023). Collection method: clinical testing. Allele origin: unknown.
Comment: This variant is considered benign. This variant is a silent/synonymous amino acid change and it is not expected to impact splicing.

Ambry Genetics
Classification: Likely benign for Hereditary cancer-predisposing syndrome. Last evaluated: 2022-02-12. Review status: criteria provided, single submitter. Criteria: Ambry Variant Classification Scheme 2023. Collection method: clinical testing. Allele origin: germline.

NM_000535.7(PMS2):c.1704A>G (p.Pro568=)

Gene: PMS2 (PMS1 homolog 2, mismatch repair system component; minus strand). Cytogenetic location: 7p22.1.
Variant type: single nucleotide variant.
Coding change: c.1704A>G on transcript NM_000535.7 (MANE Select); coding-DNA position 1704, A replaced by G.
Protein change: p.Pro568=; no amino-acid change (proline 568 retained).
Molecular consequence: synonymous variant. On other transcripts: non-coding transcript variant (1), intron variant (1).
Genome position (GRCh38, 1-based): chr7:5,987,061, T>C on the plus strand (A>G on the coding strand, the complement: PMS2 is on the minus strand). VCF-style: chr7-5987061-T-C. GRCh37 (hg19) VCF-style: chr7-6026692-T-C.
Other names: c.1299A>G, p.Pro433= (NM_001018040.1, NM_001322003.2, NM_001322004.2 and 17 more transcripts); c.1548A>G, p.Pro516= (NM_001322006.2, NM_001406870.1); c.1386A>G, p.Pro462= (NM_001322007.2, NM_001322008.2, NM_001406876.1 and 2 more transcripts); c.1143A>G, p.Pro381= (NM_001322010.2, NM_001406906.1, NM_001406907.1); c.771A>G, p.Pro257= (NM_001322011.2, NM_001322012.2); c.1131A>G, p.Pro377= (NM_001322013.2, NM_001406909.1); c.1704A>G, p.Pro568= (NM_001322014.2, NM_001406871.1, NM_001406872.1); c.1395A>G, p.Pro465= (NM_001322015.2, NM_001406875.1, NM_001406877.1 and 5 more transcripts); and 13 more.
Identifiers: ClinVar variation 1778405 (VCV001778405.3), dbSNP rs1312206518, ClinGen allele CA453745897.
Genomic context (GRCh38, chr7:5,987,061, plus strand): 5'-AGAACTGGAAAGAATTTCTTCTTTTTTAAAACGCTTTGTGTTTGGGGTTGCGAGATTAGT[T>C]GGCTGAGGCAAAACTCGAAATTTACATCCGGTATCTTCCTGGTTTGAATGGCAGTCCACA-3'
Protein context (NP_000526.2, residues 558-578): TGCKFRVLPQ[Pro568=]TNLATPNTKR